The following is an entry in ClinVar:

GRCh37/hg19 17q12(chr17:34360168-36209228)x3

Genes: AATF (apoptosis antagonizing transcription factor; plus strand), ACACA (acetyl-CoA carboxylase alpha; minus strand), C17orf78 (chromosome 17 open reading frame 78; plus strand), CCL18 (C-C motif chemokine ligand 18; plus strand), CCL3 (C-C motif chemokine ligand 3; minus strand) and 41 more. Cytogenetic location: 17q12.
Variant type: copy number gain.
Change: copy number 3 (three copies instead of two) of chr17:34,360,168-36,209,228 (1.85 Mb, GRCh37 coordinates, 1-based), cytogenetic band 17q12.
Other names: NR_036056.1(MIR2909):n.(?_-853004)_(1135855_?)dup.
Identifiers: ClinVar variation 58167 (VCV000058167.2).

ClinVar aggregate classification (germline): Pathogenic (1 of 4 stars; one submission).

Submission:

ISCA Site 6
Classification: Pathogenic. Last evaluated: 2011-08-12. Review status: criteria provided, single submitter. Criteria: Kaminsky et al. (Genet Med. 2011). Collection method: clinical testing. Allele origin: paternal. Affected: yes. Observed: 1 variant allele.
Comment: Copy number variation identified through the course of routine clinical cytogenomic testing in postnatal populations. Clinical assertions have been curated as described in Kaminsky et al. 2011.